The following is an entry in ClinVar:

ClinVar aggregate classification (germline): Uncertain significance (1 of 4 stars; one submission).

Conditions:
Hypertrophic cardiomyopathy 20. Identifiers: MedGen C3151267, MONDO:0013477, OMIM 613876.
Dilated cardiomyopathy 1CC (CMD1CC). Identifiers: Orphanet 154, MedGen C2751084, MONDO:0013147, OMIM 613122.

Submission:

Labcorp Genetics (formerly Invitae), Labcorp
Classification: Uncertain significance for Dilated cardiomyopathy 1CC; Hypertrophic cardiomyopathy 20. Last evaluated: 2022-02-03. Review status: criteria provided, single submitter. Criteria: Invitae Variant Classification Sherloc (09022015). Collection method: clinical testing. Allele origin: germline.
Comment: This sequence change replaces glutamine, which is neutral and polar, with arginine, which is basic and polar, at codon 112 of the NEXN protein (p.Gln112Arg). This variant is not present in population databases (gnomAD no frequency). This variant has not been reported in the literature in individuals affected with NEXN-related conditions. ClinVar contains an entry for this variant (Variation ID: 1004893). Algorithms developed to predict the effect of missense changes on protein structure and function (SIFT, PolyPhen-2, Align-GVGD) all suggest that this variant is likely to be tolerated. In summary, the available evidence is currently insufficient to determine the role of this variant in disease. Therefore, it has been classified as a Variant of Uncertain Significance.

NM_144573.4(NEXN):c.335A>G (p.Gln112Arg)

Genes: NEXN (nexilin F-actin binding protein; plus strand), LOC126805765 (BRD4-independent group 4 enhancer GRCh37_chr1:78383688-78384887; plus strand). Cytogenetic location: 1p31.1.
Variant type: single nucleotide variant.
Coding change: c.335A>G on transcript NM_144573.4 (MANE Select); coding-DNA position 335, A replaced by G.
Protein change: p.Gln112Arg; replaces glutamine 112 with arginine.
Molecular consequence: missense variant.
Genome position (GRCh38, 1-based): chr1:77,918,161, A>G. VCF-style: chr1-77918161-A-G. GRCh37 (hg19) VCF-style: chr1-78383846-A-G.
Other names: c.143A>G, p.Gln48Arg (NM_001172309.2); short protein forms Q112R, Q48R.
Identifiers: ClinVar variation 1004893 (VCV001004893.9), dbSNP rs2764942, ClinGen allele CA340886494.
Genomic context (GRCh38, chr1:77,918,161, plus strand): 5'-AACTTTTTTTTCATATATTTTTAGGAACTGTGAAGGGTAGATTTGCTGAAATGGAGAAAC[A>G]AAGACAAGAGGAACAAAGGAAGAGAACGGAGGAGGAACGAAAACGCAGAATTGAGCAGGA-3'
Protein context (NP_653174.3, residues 102-122): VKGRFAEMEK[Gln112Arg]RQEEQRKRTE